The following is an entry in ClinVar:

NM_133433.4(NIPBL):c.6748C>T (p.Gln2250Ter)

Gene: NIPBL (NIPBL cohesin loading factor; plus strand). Cytogenetic location: 5p13.2.
Variant type: single nucleotide variant.
Coding change: c.6748C>T on transcript NM_133433.4 (MANE Select); coding-DNA position 6748, C replaced by T.
Protein change: p.Gln2250Ter; replaces glutamine 2250 with a stop codon.
Molecular consequence: nonsense.
Genome position (GRCh38, 1-based): chr5:37,048,660, C>T. VCF-style: chr5-37048660-C-T. GRCh37 (hg19) VCF-style: chr5-37048762-C-T.
Other names: c.6748C>T, p.Gln2250Ter (NM_015384.5); short protein forms Q2250*.
Identifiers: ClinVar variation 2632343 (VCV002632343.1), dbSNP rs2478618205, ClinGen allele CA359508630.
Genomic context (GRCh38, chr5:37,048,660, plus strand): 5'-AAAATACAAGTGTTAAAAAACCTCCAGACCTACCTACAAGAAGAAGATACACGTATGCAG[C>T]AGGCAGATAGAGACTGTAAGTGAAAATATATTTTTAAATTTCATAGCTACATTTATATTA-3'

ClinVar aggregate classification (germline): Likely pathogenic (1 of 4 stars; one submission).

Conditions:
NIPBL-related disorder. Also called: NIPBL-related condition.

Submission:

PreventionGenetics, part of Exact Sciences
Classification: Likely pathogenic for NIPBL-related condition. Last evaluated: 2023-05-22. Review status: criteria provided, single submitter. Criteria: ACMG Guidelines, 2015. Collection method: clinical testing. Allele origin: germline.
Comment: The NIPBL c.6748C>T variant is predicted to result in premature protein termination (p.Gln2250*). To our knowledge, this variant has not been reported in the literature or in a large population database, indicating this variant is rare. Nonsense variants in NIPBL are expected to be pathogenic. This variant is interpreted as likely pathogenic.